The following is an entry in ClinVar:

NM_000744.7(CHRNA4):c.505C>T (p.Pro169Ser)

Gene: CHRNA4 (cholinergic receptor nicotinic alpha 4 subunit; minus strand). Cytogenetic location: 20q13.33.
Variant type: single nucleotide variant.
Coding change: c.505C>T on transcript NM_000744.7 (MANE Select); coding-DNA position 505, C replaced by T.
Protein change: p.Pro169Ser; replaces proline 169 with serine.
Molecular consequence: missense variant. On other transcripts: 5 prime UTR variant (1), non-coding transcript variant (1).
Genome position (GRCh38, 1-based): chr20:63,350,906, G>A on the plus strand (C>T on the coding strand, the complement: CHRNA4 is on the minus strand). VCF-style: chr20-63350906-G-A. GRCh37 (hg19) VCF-style: chr20-61982258-G-A.
Other names: c.-24C>T (NM_001256573.2); short protein forms P169S.
Identifiers: ClinVar variation 2972146 (VCV002972146.3), dbSNP rs2516543209, ClinGen allele CA409638286.

ClinVar aggregate classification (germline): Uncertain significance (1 of 4 stars; one submission).

Conditions:
Familial sleep-related hypermotor epilepsy. Also called: Autosomal Dominant Sleep-Related Hypermotor (Hyperkinetic) Epilepsy. Identifiers: Orphanet 98784, MedGen C3696898, MONDO:0000030.

Submission:

Labcorp Genetics (formerly Invitae), Labcorp
Classification: Uncertain significance. Last evaluated: 2022-12-27. Review status: criteria provided, single submitter. Criteria: Invitae Variant Classification Sherloc (09022015). Collection method: clinical testing. Allele origin: germline.
Comment: In summary, the available evidence is currently insufficient to determine the role of this variant in disease. Therefore, it has been classified as a Variant of Uncertain Significance. Advanced modeling of protein sequence and biophysical properties (such as structural, functional, and spatial information, amino acid conservation, physicochemical variation, residue mobility, and thermodynamic stability) performed at Invitae indicates that this missense variant is expected to disrupt CHRNA4 protein function. This missense change has been observed in at least one individual who was not affected with CHRNA4-related conditions (Invitae). This variant has not been reported in the literature in individuals affected with CHRNA4-related conditions. This variant is not present in population databases (gnomAD no frequency). This sequence change replaces proline, which is neutral and non-polar, with serine, which is neutral and polar, at codon 169 of the CHRNA4 protein (p.Pro169Ser).